The following is an entry in ClinVar:

NM_017671.5(FERMT1):c.1183A>T (p.Ile395Phe)

Gene: FERMT1 (FERM domain containing kindlin 1; minus strand). Cytogenetic location: 20p12.3.
Variant type: single nucleotide variant.
Coding change: c.1183A>T on transcript NM_017671.5 (MANE Select); coding-DNA position 1183, A replaced by T.
Protein change: p.Ile395Phe; replaces isoleucine 395 with phenylalanine.
Molecular consequence: missense variant.
Genome position (GRCh38, 1-based): chr20:6,089,046, T>A on the plus strand (A>T on the coding strand, the complement: FERMT1 is on the minus strand). VCF-style: chr20-6089046-T-A. GRCh37 (hg19) VCF-style: chr20-6069693-T-A.
Other names: short protein forms I395F.
Identifiers: ClinVar variation 1385782 (VCV001385782.8), dbSNP rs766950162, ClinGen allele CA9758216.

ClinVar aggregate classification (germline): Uncertain significance (1 of 4 stars; one submission).

Allele frequency attached by ClinVar (database versions not stated): gnomAD exomes below 0.00001; ExAC 0.00001.

Submission:

Labcorp Genetics (formerly Invitae), Labcorp
Classification: Uncertain significance. Last evaluated: 2021-04-08. Review status: criteria provided, single submitter. Criteria: Invitae Variant Classification Sherloc (09022015). Collection method: clinical testing. Allele origin: germline.
Comment: In summary, the available evidence is currently insufficient to determine the role of this variant in disease. Therefore, it has been classified as a Variant of Uncertain Significance. Algorithms developed to predict the effect of missense changes on protein structure and function are either unavailable or do not agree on the potential impact of this missense change (SIFT: "Deleterious"; PolyPhen-2: "Benign"; Align-GVGD: "Class C0"). This variant has not been reported in the literature in individuals with FERMT1-related conditions. This variant is present in population databases (rs766950162, ExAC 0.006%). This sequence change replaces isoleucine with phenylalanine at codon 395 of the FERMT1 protein (p.Ile395Phe). The isoleucine residue is weakly conserved and there is a small physicochemical difference between isoleucine and phenylalanine.